The following is an entry in ClinVar:

ClinVar aggregate classification (germline): Likely pathogenic. Review status: criteria provided, multiple submitters, no conflicts (2 of 4 stars). 2 submissions from 2 submitters: Likely pathogenic (2). Last evaluated 2025-06-04.

Conditions:
Methylmalonic aciduria due to methylmalonyl-CoA mutase deficiency (MAMM). Also called: Methylmalonic aciduria, mut type. Identifiers: Orphanet 27, MedGen C1855114, MONDO:0009612, OMIM 251000.

Allele frequency attached by ClinVar (database versions not stated): TOPMed below 0.00001.

Submissions (2):

First Genomix Gene Laboratory, Genetic Diagnostics Department
Classification: Likely pathogenic for Methylmalonic aciduria due to methylmalonyl-CoA mutase deficiency. Last evaluated: 2025-06-04. Review status: criteria provided, single submitter. Criteria: ACMG Guidelines, 2015. Collection method: clinical testing. Allele origin: germline. Inheritance: Autosomal recessive inheritance. Affected: no. Observed: 1 variant allele.

Labcorp Genetics (formerly Invitae), Labcorp
Classification: Likely pathogenic. Last evaluated: 2024-01-04. Review status: criteria provided, single submitter. Criteria: Invitae Variant Classification Sherloc (09022015). Collection method: clinical testing. Allele origin: germline.
Comment: This sequence change replaces aspartic acid, which is acidic and polar, with asparagine, which is neutral and polar, at codon 625 of the MUT protein (p.Asp625Asn). This variant is not present in population databases (gnomAD no frequency). This variant has not been reported in the literature in individuals affected with MUT-related conditions. Advanced modeling of protein sequence and biophysical properties (such as structural, functional, and spatial information, amino acid conservation, physicochemical variation, residue mobility, and thermodynamic stability) performed at Invitae indicates that this missense variant is expected to disrupt MUT protein function with a positive predictive value of 95%. This variant disrupts the p.Asp625 amino acid residue in MUT. Other variant(s) that disrupt this residue have been observed in individuals with MUT-related conditions (PMID: 22727635, 27167370, 30712249), which suggests that this may be a clinically significant amino acid residue. In summary, the currently available evidence indicates that the variant is pathogenic, but additional data are needed to prove that conclusively. Therefore, this variant has been classified as Likely Pathogenic.

Literature cited by the submitters: PubMed 22727635 (cited by Labcorp Genetics (formerly Invitae), Labcorp); PubMed 27167370 (cited by Labcorp Genetics (formerly Invitae), Labcorp); PubMed 30712249 (cited by Labcorp Genetics (formerly Invitae), Labcorp).

NM_000255.4(MMUT):c.1873G>A (p.Asp625Asn)

Gene: MMUT (methylmalonyl-CoA mutase; minus strand). Cytogenetic location: 6p12.3.
Variant type: single nucleotide variant.
Coding change: c.1873G>A on transcript NM_000255.4 (MANE Select); coding-DNA position 1873, G replaced by A.
Protein change: p.Asp625Asn; replaces aspartic acid 625 with asparagine.
Molecular consequence: missense variant.
Genome position (GRCh38, 1-based): chr6:49,440,289, C>T on the plus strand (G>A on the coding strand, the complement: MMUT is on the minus strand). VCF-style: chr6-49440289-C-T. GRCh37 (hg19) VCF-style: chr6-49408002-C-T.
Other names: short protein forms D625N.
Identifiers: ClinVar variation 2745086 (VCV002745086.4), dbSNP rs1767240242, ClinGen allele CA364395196.